The following is an entry in ClinVar:

NM_000051.4(ATM):c.497-2421_497-2418del

Gene: ATM (ATM serine/threonine kinase; plus strand). Cytogenetic location: 11q22.3.
Variant type: Deletion.
Coding change: c.497-2421_497-2418del on transcript NM_000051.4 (MANE Select); 2421 bases into the intron before coding-DNA position 497 through 2418 bases into the intron before coding-DNA position 497, 4 bases deleted (AATA; older notation c.497-2421_497-2418delAATA).
Molecular consequence: intron variant.
Genome position (GRCh38, 1-based): chr11:108,241,532-108,241,535, AATA deleted; deleting any 4 consecutive bases within chr11:108,241,530-108,241,535 gives the same sequence; the c. name uses the placement nearest the transcript's 3' end. VCF-style (leftmost placement, unchanged base first): chr11-108241529-TTAAA-T. GRCh37 (hg19) VCF-style: chr11-108112256-TTAAA-T.
Other names: c.497-2421_497-2418del (NM_001351834.2).
Identifiers: ClinVar variation 1691738 (VCV001691738.2), dbSNP rs370425572, ClinGen allele CA228382165.

ClinVar aggregate classification (germline): Likely benign (1 of 4 stars; one submission).

Submission:

GeneDx
Classification: Likely benign. Last evaluated: 2021-09-22. Review status: criteria provided, single submitter. Criteria: GeneDx Variant Classification Process June 2021. Collection method: clinical testing. Allele origin: germline. Affected: yes.
Comment: See Variant Classification Assertion Criteria.